The following is an entry in ClinVar:

NM_005518.4(HMGCS2):c.*822G>A

Gene: HMGCS2 (3-hydroxy-3-methylglutaryl-CoA synthase 2; minus strand). Cytogenetic location: 1p12.
Variant type: single nucleotide variant.
Coding change: c.*822G>A on transcript NM_005518.4 (MANE Select); 822 bases downstream of the stop codon, G replaced by A.
Molecular consequence: 3 prime UTR variant.
Genome position (GRCh38, 1-based): chr1:119,748,025, C>T on the plus strand (G>A on the coding strand, the complement: HMGCS2 is on the minus strand). VCF-style: chr1-119748025-C-T. GRCh37 (hg19) VCF-style: chr1-120290648-C-T.
Other names: c.*822G>A (NM_001166107.1).
Identifiers: ClinVar variation 875432 (VCV000875432.4), dbSNP rs116264779, ClinGen allele CA30265485.

ClinVar aggregate classification (germline): Benign (1 of 4 stars; one submission).

Conditions:
3-hydroxy-3-methylglutaryl-CoA synthase deficiency (HMGCS2D). Also called: MITOCHONDRIAL HMG-CoA SYNTHASE DEFICIENCY; HMG-CoA synthase-2 deficiency; HMGCS2 DEFICIENCY. Identifiers: Orphanet 35701, MedGen C2751532, MONDO:0011614, OMIM 605911.

Allele frequency attached by ClinVar (database versions not stated): gnomAD 0.00494 and 0.00529; TOPMed 0.00541; 1000 Genomes Project 0.00639; 1000 Genomes Project 30x 0.00640.

Submission:

Illumina Laboratory Services, Illumina
Classification: Benign for 3-hydroxy-3-methylglutaryl-CoA synthase deficiency. Last evaluated: 2017-04-27. Review status: criteria provided, single submitter. Criteria: ICSL Variant Classification Criteria 13 December 2019. Collection method: clinical testing. Allele origin: germline.
Comment: This variant was observed as part of a predisposition screen in an ostensibly healthy population. A literature search was performed for the gene, cDNA change, and amino acid change (where applicable). No publications were found based on this search. Allele frequency data from public databases was too high to be consistent with this variant causing disease. Therefore, this variant is classified as benign.